The following is an entry in ClinVar:

ClinVar aggregate classification (germline): Pathogenic. Review status: criteria provided, multiple submitters, no conflicts (2 of 4 stars). 2 submissions from 2 submitters: Pathogenic (2). Last evaluated 2026-01-12.

Conditions:
COL6A2-related disorder.
Bethlem myopathy 1A. Also called: MYOPATHY, BENIGN CONGENITAL, WITH CONTRACTURES; Bethlem myopathy 1; Bethlem Muscular Dystrophy. Identifiers: Orphanet 610, MedGen CN029274, MONDO:0024530, OMIM 158810.

Submissions (2):

3billion
Classification: Pathogenic for COL6A2-related disorder. Last evaluated: 2026-01-12. Review status: criteria provided, single submitter. Criteria: ACMG Guidelines, 2015. Collection method: clinical testing. Allele origin: germline. Affected: yes.
Comment: The variant is not observed in the gnomAD v4.1.0 dataset. Predicted Consequence/Location: Canonical splice site: predicted to alter splicing and result in a loss or disruption of normal protein function. Multiple pathogenic loss-of-function variants are reported downstream of the variant. In silico tools predict the variant to alter splicing and produce an abnormal transcript [SpliceAI: 0.98 (spliceogenicity >=0.2, non-spliceogenicity <0.1)]. The variant has been previously reported as de novo in a similarly affected individual (PMID: 40225934). The variant has been reported to be associated with COL6A2-related disorder (ClinVar ID: VCV001071804 /PMID: 40225934). Therefore, this variant is classified as Pathogenic according to the recommendation of ACMG/AMP guideline.

Labcorp Genetics (formerly Invitae), Labcorp
Classification: Pathogenic for Bethlem myopathy 1A. Last evaluated: 2020-04-05. Review status: criteria provided, single submitter. Criteria: Invitae Variant Classification Sherloc (09022015). Collection method: clinical testing. Allele origin: germline.
Comment: This variant is not present in population databases (ExAC no frequency). Disruption of this splice site has been observed in individual(s) with autosomal dominant type VI collagenopathy (PMID: 15689448, 25204870, Invitae). Donor and acceptor splice site variants typically lead to a loss of protein function (PMID: 16199547), and loss-of-function variants in COL6A2 are known to be pathogenic (PMID: 19884007, 20976770). In addition, donor and acceptor splice site variants in COL6A2 that result in in-frame exon skipping have also been reported to cause autosomal dominant COL6A2-related conditions (PMID: 18366090). For these reasons, this variant has been classified as Pathogenic. This sequence change affects an acceptor splice site in intron 9 of the COL6A2 gene. It is expected to disrupt RNA splicing and likely results in an absent or disrupted protein product.

Literature cited by the submitters: PubMed 40225934 (cited by 3billion); PubMed 15689448 (cited by Labcorp Genetics (formerly Invitae), Labcorp); PubMed 25204870 (cited by Labcorp Genetics (formerly Invitae), Labcorp); PubMed 16199547 (cited by Labcorp Genetics (formerly Invitae), Labcorp); PubMed 19884007 (cited by Labcorp Genetics (formerly Invitae), Labcorp); PubMed 20976770 (cited by Labcorp Genetics (formerly Invitae), Labcorp); PubMed 18366090 (cited by Labcorp Genetics (formerly Invitae), Labcorp).

NM_001849.4(COL6A2):c.955-1G>C

Gene: COL6A2 (collagen type VI alpha 2 chain; plus strand). Cytogenetic location: 21q22.3.
Variant type: single nucleotide variant.
Coding change: c.955-1G>C on transcript NM_001849.4 (MANE Select); the canonical splice acceptor site of the intron before coding-DNA position 955, G replaced by C.
Molecular consequence: splice acceptor variant.
Genome position (GRCh38, 1-based): chr21:46,116,769, G>C. VCF-style: chr21-46116769-G-C. GRCh37 (hg19) VCF-style: chr21-47536683-G-C.
Other names: c.955-1G>C (NM_058175.3, NM_058174.3).
Identifiers: ClinVar variation 1071804 (VCV001071804.10), dbSNP rs886044265, ClinGen allele CA410527136.